The following is an entry in ClinVar:

NM_017654.4(SAMD9):c.4396G>A (p.Gly1466Arg)

Gene: SAMD9 (sterile alpha motif domain containing 9; minus strand). Cytogenetic location: 7q21.2.
Variant type: single nucleotide variant.
Coding change: c.4396G>A on transcript NM_017654.4 (MANE Select); coding-DNA position 4396, G replaced by A.
Protein change: p.Gly1466Arg; replaces glycine 1466 with arginine.
Molecular consequence: missense variant.
Genome position (GRCh38, 1-based): chr7:93,101,702, C>T on the plus strand (G>A on the coding strand, the complement: SAMD9 is on the minus strand). VCF-style: chr7-93101702-C-T. GRCh37 (hg19) VCF-style: chr7-92731015-C-T.
Other names: c.4396G>A, p.Gly1466Arg (NM_001193307.2); short protein forms G1466R.
Identifiers: ClinVar variation 734239 (VCV000734239.20), dbSNP rs755857667, ClinGen allele CA4342557.

ClinVar aggregate classification (germline): Conflicting classifications of pathogenicity. Review status: criteria provided, conflicting classifications (1 of 4 stars). 5 submissions from 5 submitters: Uncertain significance (1); Likely benign (3). 1 of the submissions does not count toward it. Last evaluated 2026-01-02.

Conditions:
Inborn genetic diseases. Identifiers: MedGen C0950123, MeSH D030342.
SAMD9-related disorder. Also called: SAMD9-related condition.

Allele frequency attached by ClinVar (database versions not stated): gnomAD 0.00005; TOPMed 0.00020; ExAC 0.00026; gnomAD exomes 0.00034.

Submissions (5):

Labcorp Genetics (formerly Invitae), Labcorp
Classification: Likely benign. Last evaluated: 2026-01-02. Review status: criteria provided, single submitter. Criteria: Invitae Variant Classification Sherloc (09022015). Collection method: clinical testing. Allele origin: germline.

Ambry Genetics
Classification: Likely benign for Inborn genetic diseases. Last evaluated: 2024-11-20. Review status: criteria provided, single submitter. Criteria: Ambry Variant Classification Scheme 2023. Collection method: clinical testing. Allele origin: germline.

GeneDx
Classification: Likely benign. Last evaluated: 2021-02-04. Review status: criteria provided, single submitter. Criteria: GeneDx Variant Classification Process June 2021. Collection method: clinical testing. Allele origin: germline. Affected: yes.
Comment: In silico analysis, which includes protein predictors and evolutionary conservation, supports that this variant does not alter protein structure/function; Has not been previously published as pathogenic or benign to our knowledge

Genetic Services Laboratory, University of Chicago
Classification: Uncertain significance. Last evaluated: 2020-04-30. Review status: criteria provided, single submitter. Criteria: ACMG Guidelines, 2015. Collection method: clinical testing. Allele origin: germline. Affected: no.
Comment: The sequence change, c.4396G>A, in exon 3 that results in an amino acid change, p.Gly1466Arg. This sequence change does not appear to have been previously described in patients with SAMD9-related disorders and has been described in the gnomAD database with a low population frequency of 0.23% in the African ubpopulations (dbSNP rs755857667). The p.Gly1466Arg change affects a poorly conserved amino acid residue located in a domain of the SAMD9 protein that is not known to be functional. The p.Gly1466Arg substitution appears to be benign using several in-silico pathogenicity prediction tools (SIFT, PolyPhen2, Align GVGD, REVEL). Due to these contrasting evidences and the lack of functional studies, the clinical significance of the p.Gly1466Arg change remains unknown at this time.

PreventionGenetics, part of Exact Sciences
Classification: Likely benign for SAMD9-related condition. Last evaluated: 2021-09-21. Review status: no assertion criteria provided. Collection method: clinical testing. Allele origin: germline. Not counted in ClinVar's aggregate classification.
Comment: This variant is classified as likely benign based on ACMG/AMP sequence variant interpretation guidelines (Richards et al. 2015 PMID: 25741868, with internal and published modifications).